The following is an entry in ClinVar:

NM_033124.5(CCDC65):c.1004C>T (p.Ala335Val)

Gene: CCDC65 (coiled-coil domain containing 65; plus strand). Cytogenetic location: 12q13.12.
Variant type: single nucleotide variant.
Coding change: c.1004C>T on transcript NM_033124.5 (MANE Select); coding-DNA position 1004, C replaced by T.
Protein change: p.Ala335Val; replaces alanine 335 with valine.
Molecular consequence: missense variant.
Genome position (GRCh38, 1-based): chr12:48,918,881, C>T. VCF-style: chr12-48918881-C-T. GRCh37 (hg19) VCF-style: chr12-49312664-C-T.
Other names: c.575C>T, p.Ala192Val (NM_001286957.2); short protein forms A192V, A335V.
Identifiers: ClinVar variation 935287 (VCV000935287.8), dbSNP rs767578687, ClinGen allele CA6543398.

ClinVar aggregate classification (germline): Uncertain significance (1 of 4 stars; one submission).

Conditions:
Primary ciliary dyskinesia 27. Also called: CILIARY DYSKINESIA, PRIMARY, 27, WITHOUT SITUS INVERSUS. Identifiers: Orphanet 244, MedGen C3809701, MONDO:0014215, OMIM 615504.

Allele frequency attached by ClinVar (database versions not stated): ExAC 0.00001; gnomAD 0.00001; gnomAD exomes 0.00001; TOPMed 0.00001.
gnomAD v4.1: 14 of 1,613,316 alleles (0.00087%); highest among the groups gnomAD compares: Non-Finnish European, 0.0012%; no homozygotes.

Submission:

Labcorp Genetics (formerly Invitae), Labcorp
Classification: Uncertain significance for Primary ciliary dyskinesia 27. Last evaluated: 2019-10-03. Review status: criteria provided, single submitter. Criteria: Invitae Variant Classification Sherloc (09022015). Collection method: clinical testing. Allele origin: germline.
Comment: This sequence change replaces alanine with valine at codon 335 of the CCDC65 protein (p.Ala335Val). The alanine residue is moderately conserved and there is a small physicochemical difference between alanine and valine. The frequency data for this variant in the population databases is considered unreliable, as metrics indicate poor data quality at this position in the ExAC database. This variant has not been reported in the literature in individuals with CCDC65-related conditions. Algorithms developed to predict the effect of missense changes on protein structure and function output the following: SIFT: "Tolerated"; PolyPhen-2: "Benign"; Align-GVGD: "Class C0". The valine amino acid residue is found in multiple mammalian species, suggesting that this missense change does not adversely affect protein function. These predictions have not been confirmed by published functional studies and their clinical significance is uncertain. In summary, the available evidence is currently insufficient to determine the role of this variant in disease. Therefore, it has been classified as a Variant of Uncertain Significance.